The following is an entry in ClinVar:

NM_024649.5(BBS1):c.1310A>T (p.Gln437Leu)

Genes: BBS1 (Bardet-Biedl syndrome 1; plus strand), ZDHHC24 (zDHHC palmitoyltransferase 24; minus strand). Cytogenetic location: 11q13.2.
Variant type: single nucleotide variant.
Coding change: c.1310A>T on transcript NM_024649.5 (MANE Select); coding-DNA position 1310, A replaced by T.
Protein change: p.Gln437Leu; replaces glutamine 437 with leucine.
Molecular consequence: missense variant. On other transcripts: intron variant (1).
Genome position (GRCh38, 1-based): chr11:66,526,778, A>T. VCF-style: chr11-66526778-A-T. GRCh37 (hg19) VCF-style: chr11-66294249-A-T.
Other names: c.*21+158T>A (NM_001348571.2); short protein forms Q437L.
Identifiers: ClinVar variation 840005 (VCV000840005.26), dbSNP rs374356964, ClinGen allele CA6123694.

ClinVar aggregate classification (germline): Uncertain significance. Review status: criteria provided, multiple submitters, no conflicts (2 of 4 stars). 8 submissions from 8 submitters: Uncertain significance (7). 1 of the submissions does not count toward it. Last evaluated 2026-03-27.

Conditions:
Bardet-Biedl syndrome (BBS). Identifiers: Orphanet 110, MedGen C0752166, MONDO:0015229.
Bardet-Biedl syndrome 1 (BBS1). Identifiers: MedGen C2936862, MONDO:0008854, OMIM 209900. Disease mechanism: loss of function.
BBS1-related ciliopathy. Identifiers: MedGen CN378629, MONDO:1040043.
BBS1-related disorder. Also called: BBS1-related condition.

Allele frequency attached by ClinVar (database versions not stated): gnomAD exomes 0.00004 and 0.00001; gnomAD 0.00001 and 0.00003; TOPMed 0.00005; ESP Exome Variant Server 0.00008; ExAC 0.00004.
gnomAD v4.1: 29 of 1,614,124 alleles (0.0018%); highest among the groups gnomAD compares: Non-Finnish European, 0.00051%; no homozygotes.

Submissions (8):

PreventionGenetics, part of Exact Sciences
Classification: Uncertain significance for BBS1-related condition. Last evaluated: 2026-03-27. Review status: criteria provided, single submitter. Criteria: ACMG Guidelines, 2015. Collection method: clinical testing. Allele origin: germline.
Comment: The BBS1 c.1310A>T variant is predicted to result in the amino acid substitution p.Gln437Leu. To our knowledge, this variant has not been reported in the literature. This variant is reported in 0.060% of alleles in individuals of Ashkenazi Jewish descent in gnomAD. Although we suspect that this variant may be benign, at this time, the clinical significance of this variant is uncertain due to the absence of conclusive functional and genetic evidence.

GeneDx
Classification: Uncertain significance. Last evaluated: 2024-04-10. Review status: criteria provided, single submitter. Criteria: GeneDx Variant Classification Process June 2021. Collection method: clinical testing. Allele origin: germline. Affected: yes.
Comment: In silico analysis supports that this missense variant has a deleterious effect on protein structure/function; Has not been previously published as pathogenic or benign to our knowledge

Labcorp Genetics (formerly Invitae), Labcorp
Classification: Uncertain significance for Bardet-Biedl syndrome. Last evaluated: 2024-04-07. Review status: criteria provided, single submitter. Criteria: Invitae Variant Classification Sherloc (09022015). Collection method: clinical testing. Allele origin: germline.
Comment: This sequence change replaces glutamine, which is neutral and polar, with leucine, which is neutral and non-polar, at codon 437 of the BBS1 protein (p.Gln437Leu). This variant is present in population databases (rs374356964, gnomAD 0.06%). This variant has not been reported in the literature in individuals affected with BBS1-related conditions. ClinVar contains an entry for this variant (Variation ID: 840005). Advanced modeling of protein sequence and biophysical properties (such as structural, functional, and spatial information, amino acid conservation, physicochemical variation, residue mobility, and thermodynamic stability) performed at Invitae indicates that this missense variant is not expected to disrupt BBS1 protein function with a negative predictive value of 80%. In summary, the available evidence is currently insufficient to determine the role of this variant in disease. Therefore, it has been classified as a Variant of Uncertain Significance.

Department of Pathology and Laboratory Medicine, Sinai Health System
Classification: Uncertain significance for BBS1-related ciliopathy. Last evaluated: 2023-04-08. Review status: criteria provided, single submitter. Criteria: ACMG Guidelines, 2015. Collection method: research. Allele origin: germline.

Fulgent Genetics
Classification: Uncertain significance for Bardet-Biedl syndrome 1. Last evaluated: 2022-03-15. Review status: criteria provided, single submitter. Criteria: ACMG Guidelines, 2015. Collection method: clinical testing. Allele origin: unknown.

Blueprint Genetics
Classification: Uncertain significance. Last evaluated: 2020-04-02. Review status: criteria provided, single submitter. Criteria: ACMG Guidelines, 2015. Collection method: clinical testing. Allele origin: germline.

Illumina Laboratory Services, Illumina
Classification: Uncertain significance for Bardet-Biedl syndrome 1. Last evaluated: 2018-01-13. Review status: criteria provided, single submitter. Criteria: ICSL Variant Classification Criteria 13 December 2019. Collection method: clinical testing. Allele origin: germline.

Natera, Inc.
Classification: Uncertain significance for Bardet-Biedl syndrome type 1. Last evaluated: 2020-02-26. Review status: no assertion criteria provided. Collection method: clinical testing. Allele origin: germline. Not counted in ClinVar's aggregate classification.